The following is an entry in ClinVar:

ClinVar aggregate classification (germline): Uncertain significance (1 of 4 stars; one submission).

Allele frequency attached by ClinVar (database versions not stated): gnomAD 0.00001; gnomAD exomes 0.00001; TOPMed 0.00001; ExAC 0.00002.
gnomAD v4.1: 10 of 1,614,184 alleles (0.00062%); highest among the groups gnomAD compares: African/African-American, 0.0053%; no homozygotes.

Submission:

Labcorp Genetics (formerly Invitae), Labcorp
Classification: Uncertain significance. Last evaluated: 2023-08-14. Review status: criteria provided, single submitter. Criteria: Invitae Variant Classification Sherloc (09022015). Collection method: clinical testing. Allele origin: germline.
Comment: In summary, the available evidence is currently insufficient to determine the role of this variant in disease. Therefore, it has been classified as a Variant of Uncertain Significance. Algorithms developed to predict the effect of sequence changes on RNA splicing suggest that this variant may disrupt the consensus splice site. Advanced modeling of protein sequence and biophysical properties (such as structural, functional, and spatial information, amino acid conservation, physicochemical variation, residue mobility, and thermodynamic stability) performed at Invitae indicates that this missense variant is not expected to disrupt TNFRSF11A protein function. This variant has not been reported in the literature in individuals affected with TNFRSF11A-related conditions. This variant is present in population databases (rs746603174, gnomAD 0.002%). This sequence change replaces arginine, which is basic and polar, with histidine, which is basic and polar, at codon 256 of the TNFRSF11A protein (p.Arg256His).

NM_003839.4(TNFRSF11A):c.767G>A (p.Arg256His)

Gene: TNFRSF11A (TNF receptor superfamily member 11a; plus strand). Cytogenetic location: 18q21.33.
Variant type: single nucleotide variant.
Coding change: c.767G>A on transcript NM_003839.4 (MANE Select); coding-DNA position 767, G replaced by A.
Protein change: p.Arg256His; replaces arginine 256 with histidine.
Molecular consequence: missense variant. On other transcripts: intron variant (2).
Genome position (GRCh38, 1-based): chr18:62,366,744, G>A. VCF-style: chr18-62366744-G-A. GRCh37 (hg19) VCF-style: chr18-60033977-G-A.
Other names: c.767G>A, p.Arg256His (NM_001270949.2); c.725G>A, p.Arg242His (NM_001278268.2); c.730+4951G>A (NM_001270950.2); c.616+6695G>A (NM_001270951.2); short protein forms R242H, R256H.
Identifiers: ClinVar variation 2982847 (VCV002982847.3), dbSNP rs746603174, ClinGen allele CA8983856.